The following is an entry in ClinVar:

ClinVar aggregate classification (germline): Uncertain significance (1 of 4 stars; one submission).

Submission:

Labcorp Genetics (formerly Invitae), Labcorp
Classification: Uncertain significance. Last evaluated: 2022-11-26. Review status: criteria provided, single submitter. Criteria: Invitae Variant Classification Sherloc (09022015). Collection method: clinical testing. Allele origin: germline.
Comment: This sequence change replaces leucine, which is neutral and non-polar, with proline, which is neutral and non-polar, at codon 382 of the RBFOX2 protein (p.Leu382Pro). This variant is not present in population databases (gnomAD no frequency). This variant has not been reported in the literature in individuals affected with RBFOX2-related conditions. Algorithms developed to predict the effect of missense changes on protein structure and function are either unavailable or do not agree on the potential impact of this missense change (SIFT: "Not Available"; PolyPhen-2: "Benign"; Align-GVGD: "Not Available"). In summary, the available evidence is currently insufficient to determine the role of this variant in disease. Therefore, it has been classified as a Variant of Uncertain Significance.

NM_001349999.2(RBFOX2):c.1133T>C (p.Leu378Pro)

Gene: RBFOX2 (RNA binding fox-1 homolog 2; minus strand). Cytogenetic location: 22q12.3.
Variant type: single nucleotide variant.
Coding change: c.1133T>C on transcript NM_001349999.2 (MANE Select); coding-DNA position 1133, T replaced by C.
Protein change: p.Leu378Pro; replaces leucine 378 with proline.
Molecular consequence: missense variant. On other transcripts: intron variant (8).
Genome position (GRCh38, 1-based): chr22:35,756,109, A>G on the plus strand (T>C on the coding strand, the complement: RBFOX2 is on the minus strand). VCF-style: chr22-35756109-A-G. GRCh37 (hg19) VCF-style: chr22-36152156-A-G.
Other names: c.932T>C, p.Leu311Pro (NM_001031695.4, NM_001349998.2); c.920T>C, p.Leu307Pro (NM_001082576.3, NM_001349983.2); c.1145T>C, p.Leu382Pro (NM_001082578.4); c.1142T>C, p.Leu381Pro (NM_001082579.3); c.986T>C, p.Leu329Pro (NM_001349982.2, NM_001349990.2, NM_001349996.2); c.998T>C, p.Leu333Pro (NM_001349989.2, NM_001349991.2); c.935T>C, p.Leu312Pro (NM_001349997.2); c.1127T>C, p.Leu376Pro (NM_001394108.1); and 10 more; short protein forms L329P, L382P, L307P, L333P, L378P, L346P, L376P, L377P.
Identifiers: ClinVar variation 2816779 (VCV002816779.3), dbSNP rs2518954363, ClinGen allele CA411356665.